The following is an entry in ClinVar:

ClinVar aggregate classification (germline): Uncertain significance (1 of 4 stars; one submission).

Submission:

Labcorp Genetics (formerly Invitae), Labcorp
Classification: Uncertain significance. Last evaluated: 2024-02-20. Review status: criteria provided, single submitter. Criteria: Invitae Variant Classification Sherloc (09022015). Collection method: clinical testing. Allele origin: germline.
Comment: This sequence change replaces leucine, which is neutral and non-polar, with valine, which is neutral and non-polar, at codon 1163 of the COL7A1 protein (p.Leu1163Val). This variant is present in population databases (no rsID available, gnomAD 0.0009%). This variant has not been reported in the literature in individuals affected with COL7A1-related conditions. ClinVar contains an entry for this variant (Variation ID: 1930026). Advanced modeling of protein sequence and biophysical properties (such as structural, functional, and spatial information, amino acid conservation, physicochemical variation, residue mobility, and thermodynamic stability) performed at Invitae indicates that this missense variant is not expected to disrupt COL7A1 protein function with a negative predictive value of 95%. In summary, the available evidence is currently insufficient to determine the role of this variant in disease. Therefore, it has been classified as a Variant of Uncertain Significance.

NM_000094.4(COL7A1):c.3487C>G (p.Leu1163Val)

Gene: COL7A1 (collagen type VII alpha 1 chain; minus strand). Cytogenetic location: 3p21.31.
Variant type: single nucleotide variant.
Coding change: c.3487C>G on transcript NM_000094.4 (MANE Select); coding-DNA position 3487, C replaced by G.
Protein change: p.Leu1163Val; replaces leucine 1163 with valine.
Molecular consequence: missense variant.
Genome position (GRCh38, 1-based): chr3:48,586,395, G>C on the plus strand (C>G on the coding strand, the complement: COL7A1 is on the minus strand). VCF-style: chr3-48586395-G-C. GRCh37 (hg19) VCF-style: chr3-48623828-G-C.
Other names: short protein forms L1163V.
Identifiers: ClinVar variation 1930026 (VCV001930026.4), dbSNP rs1188539922, ClinGen allele CA352705119.